The following is an entry in ClinVar:

NM_017780.4(CHD7):c.7265A>G (p.Glu2422Gly)

Gene: CHD7 (chromodomain helicase DNA binding protein 7; plus strand). Cytogenetic location: 8q12.2.
Variant type: single nucleotide variant.
Coding change: c.7265A>G on transcript NM_017780.4 (MANE Select); coding-DNA position 7265, A replaced by G.
Protein change: p.Glu2422Gly; replaces glutamic acid 2422 with glycine.
Molecular consequence: missense variant. On other transcripts: intron variant (1).
Genome position (GRCh38, 1-based): chr8:60,856,545, A>G. VCF-style: chr8-60856545-A-G. GRCh37 (hg19) VCF-style: chr8-61769104-A-G.
Other names: c.1717-5684A>G (NM_001316690.1); short protein forms E2422G.
Identifiers: ClinVar variation 4993716 (VCV004993716.1).
Genomic context (GRCh38, chr8:60,856,545, plus strand): 5'-GGAGGAGGAGAAAAATCGAAATTGAGGCCGAAAGAGCTGCCAAGAGGCGAAATCTCATGG[A>G]GATGGTTGCCCAGCTTCGAGAGTCTCAGGTGGTCTCAGAAAATGGACAAGAAAAAGTTGT-3'
Protein context (NP_060250.2, residues 2412-2432): ERAAKRRNLM[Glu2422Gly]MVAQLRESQV

ClinVar aggregate classification (germline): Uncertain significance (1 of 4 stars; one submission).

Conditions:
CHD7-related disorder. Also called: CHD7-related condition.

gnomAD v4.1: 1 of 1,614,034 alleles (0.000062%); highest among the groups gnomAD compares: Non-Finnish European, 0.000085%; no homozygotes.

Submission:

PreventionGenetics, part of Exact Sciences
Classification: Uncertain significance for CHD7-related condition. Last evaluated: 2026-01-06. Review status: criteria provided, single submitter. Criteria: ACMG Guidelines, 2015. Collection method: clinical testing. Allele origin: germline.
Comment: The CHD7 c.7265A>G variant is predicted to result in the amino acid substitution p.Glu2422Gly. To our knowledge, this variant has not been reported in the literature or in a large population database (gnomAD), indicating this variant is rare. At this time, the clinical significance of this variant is uncertain due to the absence of conclusive functional and genetic evidence.